The following is an entry in ClinVar:

ClinVar aggregate classification (germline): Pathogenic (1 of 4 stars; one submission).

Conditions:
Autosomal recessive axonal neuropathy with neuromyotonia (NMAN). Also called: MYOKYMIA, MYOTONIA, AND MUSCLE WASTING; Neuromyotonia and axonal neuropathy, autosomal recessive; Gamstorp-Wohlfart syndrome. Identifiers: Orphanet 324442, MedGen C5700127, MONDO:0007646, OMIM 137200.

Submission:

Labcorp Genetics (formerly Invitae), Labcorp
Classification: Pathogenic for Autosomal recessive axonal neuropathy with neuromyotonia. Last evaluated: 2023-07-14. Review status: criteria provided, single submitter. Criteria: Invitae Variant Classification Sherloc (09022015). Collection method: clinical testing. Allele origin: germline.
Comment: This variant is not present in population databases (gnomAD no frequency). This sequence change affects the initiator methionine of the HINT1 mRNA. The next in-frame methionine is located at codon 78. This variant has not been reported in the literature in individuals affected with HINT1-related conditions. ClinVar contains an entry for this variant (Variation ID: 645822). This variant disrupts a region of the HINT1 protein in which other variant(s) (p.Arg37Pro) have been determined to be pathogenic (PMID: 22961002, 25342199, 26182879, 27549087). This suggests that this is a clinically significant region of the protein, and that variants that disrupt it are likely to be disease-causing. For these reasons, this variant has been classified as Pathogenic.

Literature cited by the submitters: PubMed 22961002; PubMed 25342199; PubMed 26182879; PubMed 27549087.

NM_005340.7(HINT1):c.2T>C (p.Met1Thr)

Gene: HINT1 (histidine triad nucleotide binding protein 1; minus strand). Cytogenetic location: 5q23.3.
Variant type: single nucleotide variant.
Coding change: c.2T>C on transcript NM_005340.7 (MANE Select); coding-DNA position 2, T replaced by C.
Protein change: p.Met1Thr; changes the start codon (methionine 1).
Molecular consequence: missense variant, initiator codon variant. On other transcripts: non-coding transcript variant (5).
Genome position (GRCh38, 1-based): chr5:131,165,204, A>G on the plus strand (T>C on the coding strand, the complement: HINT1 is on the minus strand). VCF-style: chr5-131165204-A-G. GRCh37 (hg19) VCF-style: chr5-130500897-A-G.
Other names: short protein forms M1T.
Identifiers: ClinVar variation 645822 (VCV000645822.10), dbSNP rs1580686455, ClinGen allele CA360839214.